The following is an entry in ClinVar:

ClinVar aggregate classification (germline): Pathogenic. Review status: criteria provided, multiple submitters, no conflicts (2 of 4 stars). 2 submissions from 2 submitters: Pathogenic (2). Last evaluated 2023-10-22.

Conditions:
Ellis-van Creveld syndrome (EVC). Also called: Chondroectodermal dysplasia; EVC-Related Ellis-van Creveld Syndrome; EVC2-Related Ellis-van Creveld Syndrome; MESOECTODERMAL DYSPLASIA. Identifiers: Orphanet 289, MedGen C0013903, MONDO:0009162, OMIM 225500.
Curry-Hall syndrome (WAD). Also called: WEYERS ACRODENTAL DYSOSTOSIS. Identifiers: Orphanet 952, MedGen C0457013, MONDO:0008673, OMIM 193530.

Allele frequency attached by ClinVar (database versions not stated): gnomAD exomes below 0.00001; ExAC 0.00001.
gnomAD v4.1: 3 of 1,614,154 alleles (0.00019%); highest among the groups gnomAD compares: Admixed American, 0.0033%; no homozygotes.

Submissions (2):

Labcorp Genetics (formerly Invitae), Labcorp
Classification: Pathogenic for Curry-Hall syndrome; Ellis-van Creveld syndrome. Last evaluated: 2023-10-22. Review status: criteria provided, single submitter. Criteria: Invitae Variant Classification Sherloc (09022015). Collection method: clinical testing. Allele origin: germline.
Comment: This sequence change creates a premature translational stop signal (p.Trp215*) in the EVC2 gene. It is expected to result in an absent or disrupted protein product. Loss-of-function variants in EVC2 are known to be pathogenic (PMID: 17024374, 19810119, 19876929). This variant is present in population databases (rs779857359, gnomAD 0.003%). This premature translational stop signal has been observed in individual(s) with Ellis-van Creveld syndrome (PMID: 22406498). ClinVar contains an entry for this variant (Variation ID: 439673). For these reasons, this variant has been classified as Pathogenic.

ARUP Laboratories, Molecular Genetics and Genomics, ARUP Laboratories
Classification: Pathogenic. Last evaluated: 2017-04-11. Review status: criteria provided, single submitter. Criteria: ARUP Molecular Germline Variant Investigation Process. Collection method: clinical testing. Allele origin: germline.

Literature cited by the submitters: PubMed 17024374 (cited by Labcorp Genetics (formerly Invitae), Labcorp); PubMed 19810119 (cited by Labcorp Genetics (formerly Invitae), Labcorp); PubMed 19876929 (cited by Labcorp Genetics (formerly Invitae), Labcorp); PubMed 22406498 (cited by Labcorp Genetics (formerly Invitae), Labcorp).

NM_147127.5(EVC2):c.645G>A (p.Trp215Ter)

Gene: EVC2 (EvC ciliary complex subunit 2; minus strand). Cytogenetic location: 4p16.2.
Variant type: single nucleotide variant.
Coding change: c.645G>A on transcript NM_147127.5 (MANE Select); coding-DNA position 645, G replaced by A.
Protein change: p.Trp215Ter; replaces tryptophan 215 with a stop codon.
Molecular consequence: nonsense.
Genome position (GRCh38, 1-based): chr4:5,689,218, C>T on the plus strand (G>A on the coding strand, the complement: EVC2 is on the minus strand). VCF-style: chr4-5689218-C-T. GRCh37 (hg19) VCF-style: chr4-5690945-C-T.
Other names: c.405G>A, p.Trp135Ter (NM_001166136.2); short protein forms W215*, W135*.
Identifiers: ClinVar variation 439673 (VCV000439673.13), dbSNP rs779857359, ClinGen allele CA2835380.
Genomic context (GRCh38, chr4:5,689,218, plus strand): 5'-TTGCAGAAACTTCTTGCTAAAAGCCTGGAATCCTTCCGAGGTCCTGTTTCCCACAGAGTC[C>T]CAAATGGTGAGACCAGCAATGCTGTCCAGCAAGAGCAGCTCCGAGAGGTTGGCTGACGAG-3'